The following is an entry in ClinVar:

NM_001374736.1(DST):c.15670T>G (p.Leu5224Val)

Gene: DST (dystonin; minus strand). Cytogenetic location: 6p12.1.
Variant type: single nucleotide variant.
Coding change: c.15670T>G on transcript NM_001374736.1 (MANE Select); coding-DNA position 15670, T replaced by G.
Protein change: p.Leu5224Val; replaces leucine 5224 with valine.
Molecular consequence: missense variant.
Genome position (GRCh38, 1-based): chr6:56,553,122, A>C on the plus strand (T>G on the coding strand, the complement: DST is on the minus strand). VCF-style: chr6-56553122-A-C. GRCh37 (hg19) VCF-style: chr6-56417920-A-C.
Other names: c.9313T>G, p.Leu3105Val (NM_001144769.5); c.8899T>G, p.Leu2967Val (NM_001144770.2); c.15670T>G, p.Leu5224Val (NM_001374722.1); c.15037T>G, p.Leu5013Val (NM_001374729.1); c.8779T>G, p.Leu2927Val (NM_001374730.1, NM_183380.4); c.15697T>G, p.Leu5233Val (NM_001374734.1); c.7801T>G, p.Leu2601Val (NM_015548.5); short protein forms L5224V, L5233V, L3105V, L2927V, L2967V, L5013V, L2601V.
Identifiers: ClinVar variation 966542 (VCV000966542.8), dbSNP rs2097348097, ClinGen allele CA364516464.

ClinVar aggregate classification (germline): Uncertain significance (1 of 4 stars; one submission).

Conditions:
Hereditary sensory and autonomic neuropathy type 6. Also called: Neuropathy, hereditary sensory and autonomic, type VI; HSAN VI. Identifiers: Orphanet 314381, MedGen C3539003, MONDO:0013839, OMIM 614653.
Epidermolysis bullosa simplex 3, localized or generalized intermediate, with BP230 deficiency (EBS3). Also called: Epidermolysis bullosa simplex, autosomal recessive 2; Epidermolysis bullosa simplex due to BP230 deficiency. Identifiers: Orphanet 412181, MedGen C3809470, MONDO:0014180, OMIM 615425.

Allele frequency attached by ClinVar (database versions not stated): gnomAD exomes below 0.00001.
gnomAD v4.1: 1 of 1,613,986 alleles (0.000062%); highest among the groups gnomAD compares: Non-Finnish European, 0.000085%; no homozygotes.

Submission:

Labcorp Genetics (formerly Invitae), Labcorp
Classification: Uncertain significance for Epidermolysis bullosa simplex 3, localized or generalized intermediate, with BP230 deficiency; Hereditary sensory and autonomic neuropathy type 6. Last evaluated: 2023-06-30. Review status: criteria provided, single submitter. Criteria: Invitae Variant Classification Sherloc (09022015). Collection method: clinical testing. Allele origin: germline.
Comment: The DST gene has multiple clinically relevant transcripts. This variant occurs in alternate transcript NM_015548.4, and corresponds to NM_001723.5:c.*62395T>G in the primary transcript. This sequence change replaces leucine, which is neutral and non-polar, with valine, which is neutral and non-polar, at codon 2601 of the DST protein (p.Leu2601Val). This variant is not present in population databases (gnomAD no frequency). This variant has not been reported in the literature in individuals affected with DST-related conditions. Experimental studies and prediction algorithms are not available or were not evaluated, and the functional significance of this variant is currently unknown. In summary, the available evidence is currently insufficient to determine the role of this variant in disease. Therefore, it has been classified as a Variant of Uncertain Significance.